The following is an entry in ClinVar:

ClinVar aggregate classification (germline): Uncertain significance (1 of 4 stars; one submission).

Conditions:
Progressive sclerosing poliodystrophy (MTDPS4A). Also called: Mitochondrial DNA Depletion Syndrome 4A; Alpers-Huttenlocher Syndrome (AHS); ALPERS PROGRESSIVE INFANTILE POLIODYSTROPHY; NEURONAL DEGENERATION OF CHILDHOOD WITH LIVER DISEASE, PROGRESSIVE; Mitochondrial DNA depletion syndrome 4A (Alpers type); Alpers Syndrome. Identifiers: Orphanet 726, MedGen C0205710, MONDO:0008758, OMIM 203700.

Submission:

Labcorp Genetics (formerly Invitae), Labcorp
Classification: Uncertain significance for Progressive sclerosing poliodystrophy. Last evaluated: 2022-04-10. Review status: criteria provided, single submitter. Criteria: Invitae Variant Classification Sherloc (09022015). Collection method: clinical testing. Allele origin: germline.
Comment: Algorithms developed to predict the effect of sequence changes on RNA splicing suggest that this variant may create or strengthen a splice site. In summary, the available evidence is currently insufficient to determine the role of this variant in disease. Therefore, it has been classified as a Variant of Uncertain Significance. Algorithms developed to predict the effect of missense changes on protein structure and function are either unavailable or do not agree on the potential impact of this missense change (SIFT: "Deleterious"; PolyPhen-2: "Benign"; Align-GVGD: "Class C0"). This sequence change replaces valine, which is neutral and non-polar, with glycine, which is neutral and non-polar, at codon 646 of the POLG protein (p.Val646Gly). This variant is not present in population databases (gnomAD no frequency). This variant has not been reported in the literature in individuals affected with POLG-related conditions.

NM_002693.3(POLG):c.1937T>G (p.Val646Gly)

Gene: POLG (DNA polymerase gamma, catalytic subunit; minus strand). Cytogenetic location: 15q26.1.
Variant type: single nucleotide variant.
Coding change: c.1937T>G on transcript NM_002693.3 (MANE Select); coding-DNA position 1937, T replaced by G.
Protein change: p.Val646Gly; replaces valine 646 with glycine.
Molecular consequence: missense variant.
Genome position (GRCh38, 1-based): chr15:89,325,462, A>C on the plus strand (T>G on the coding strand, the complement: POLG is on the minus strand). VCF-style: chr15-89325462-A-C. GRCh37 (hg19) VCF-style: chr15-89868693-A-C.
Other names: c.1937T>G, p.Val646Gly (NM_001126131.2); short protein forms V646G.
Identifiers: ClinVar variation 2120343 (VCV002120343.4), dbSNP rs2509248402, ClinGen allele CA393758948.
Genomic context (GRCh38, chr15:89,325,462, plus strand): 5'-AGGGGTCCCTAGGCTCCAGCCCCTTCCTCCCCTGGGCCTAAGCCTTACCTGTAGGGGCAG[A>C]CCACCCCAGCTGACTCCAGGGTGGTACCTGTCGGCAGCTTGGCCAGGTTGTCCCGCCGCC-3'
Protein context (NP_002684.1, residues 636-656): TGTTLESAGV[Val646Gly]CPYRAIESLY